The following is an entry in ClinVar:

ClinVar aggregate classification (germline): Conflicting classifications of pathogenicity. Review status: criteria provided, conflicting classifications (1 of 4 stars). 5 submissions from 5 submitters: Pathogenic (1); Uncertain significance (4). Last evaluated 2025-08-08.

Conditions:
RYR1-related disorder. Also called: RYR1-related disorders; RYR1-related condition. Identifiers: MedGen CN239331.
Malignant hyperthermia, susceptibility to, 1 (MHS1). Also called: Anesthesia related hyperthermia; Malignant hyperpyrexia; Fulminating hyperpyrexia; Pharmacogenic myopathy; RYR1-Related Malignant Hyperthermia Susceptibility; Malignant hyperthermia suceptibility 1. Identifiers: Orphanet 423, MedGen C2930980, MONDO:0007783, OMIM 145600.

Allele frequency attached by ClinVar (database versions not stated): gnomAD 0.00001; gnomAD exomes 0.00001; TOPMed 0.00002.
gnomAD v4.1: 12 of 1,613,974 alleles (0.00074%); highest among the groups gnomAD compares: Non-Finnish European, 0.001%; no homozygotes.

Submissions (5):

Color Diagnostics, LLC DBA Color Health
Classification: Uncertain significance for Malignant hyperthermia, susceptibility to, 1. Last evaluated: 2025-08-08. Review status: criteria provided, single submitter. Criteria: ACMG Guidelines, 2015. Collection method: clinical testing. Allele origin: germline.
Comment: This missense variant replaces leucine with proline at codon 520 of the RYR1 protein. Computational prediction suggests that this variant may have deleterious impact on protein structure and function. Although functional studies have not been reported for this variant, it occurs in a region of RYR1 considered to be a hotspot for pathogenic variants that contribute to malignant hyperthermia susceptibility (PMID: 21118704). This variant has not been reported in individuals affected with autosomal dominant malignant hyperthermia in the literature, although it is associated with other phenotypes (ClinVar Variation ID: 590483). This variant has been identified in 2/251494 chromosomes in the general population by the Genome Aggregation Database (gnomAD). Due to insufficient evidence, this variant is classified as a Variant of Uncertain Significance for autosomal dominant malignant hyperthermia.

GeneDx
Classification: Pathogenic. Last evaluated: 2025-07-02. Review status: criteria provided, single submitter. Criteria: GeneDx Variant Classification Process June 2021. Collection method: clinical testing. Allele origin: germline. Affected: yes.
Comment: Reported in associated with a RYR1-associated disorder, however no specific information was provided (PMID: 32236737); Not observed at significant frequency in large population cohorts (gnomAD); In silico analysis supports that this missense variant has a deleterious effect on protein structure/function; This variant is associated with the following publications: (PMID: 32236737, 21118704, 33767344)

All of Us Research Program, National Institutes of Health
Classification: Uncertain significance for Malignant hyperthermia, susceptibility to, 1. Last evaluated: 2023-07-10. Review status: criteria provided, single submitter. Criteria: ACMG Guidelines, 2015. Collection method: clinical testing. Allele origin: germline. Inheritance: Autosomal dominant inheritance. Observed: 3 variant alleles, 3 heterozygotes.
Comment: This missense variant replaces leucine with proline at codon 520 of the RYR1 protein. Computational prediction suggests that this variant may have deleterious impact on protein structure and function (internally defined REVEL score threshold >= 0.7, PMID: 27666373). Although functional studies have not been reported for this variant, it occurs in a region of RYR1 considered to be a hotspot for pathogenic variants that contribute to malignant hyperthermia susceptibility (PMID: 21118704). This variant has not been reported in individuals affected with autosomal dominant malignant hyperthermia in the literature, although it is associated with other phenotypes (ClinVar Variation ID: 590483). This variant has been identified in 2/251494 chromosomes in the general population by the Genome Aggregation Database (gnomAD). Due to insufficient evidence, this variant is classified as a Variant of Uncertain Significance for autosomal dominant malignant hyperthermia.

This study involves interpretation of variants in research participants for the purpose of population health screening. Participant phenotype was not available at the time of variant classification. Additional details can be found in publication PMID: 35346344, PMCID: PMC8962531

Labcorp Genetics (formerly Invitae), Labcorp
Classification: Uncertain significance for RYR1-related disorder. Last evaluated: 2022-07-08. Review status: criteria provided, single submitter. Criteria: Invitae Variant Classification Sherloc (09022015). Collection method: clinical testing. Allele origin: germline.
Comment: This sequence change replaces leucine, which is neutral and non-polar, with proline, which is neutral and non-polar, at codon 520 of the RYR1 protein (p.Leu520Pro). This variant is present in population databases (no rsID available, gnomAD 0.002%). This variant has not been reported in the literature in individuals affected with RYR1-related conditions. ClinVar contains an entry for this variant (Variation ID: 590483). Advanced modeling of protein sequence and biophysical properties (such as structural, functional, and spatial information, amino acid conservation, physicochemical variation, residue mobility, and thermodynamic stability) performed at Invitae indicates that this missense variant is expected to disrupt RYR1 protein function. In summary, the available evidence is currently insufficient to determine the role of this variant in disease. Therefore, it has been classified as a Variant of Uncertain Significance.

PreventionGenetics, part of Exact Sciences
Classification: Uncertain significance. Last evaluated: 2013-10-18. Review status: criteria provided, single submitter. Criteria: ACMG Guidelines, 2015. Collection method: clinical testing. Allele origin: germline.

Literature cited by the submitters: PubMed 21118704 (cited by Color Diagnostics, LLC DBA Color Health and All of Us Research Program, National Institutes of Health).

NM_000540.3(RYR1):c.1559T>C (p.Leu520Pro)

Genes: RYR1 (ryanodine receptor 1; plus strand), LOC129391106 (MPRA-validated peak3472 silencer; plus strand). Cytogenetic location: 19q13.2.
Variant type: single nucleotide variant.
Coding change: c.1559T>C on transcript NM_000540.3 (MANE Select); coding-DNA position 1559, T replaced by C.
Protein change: p.Leu520Pro; replaces leucine 520 with proline.
Molecular consequence: missense variant.
Genome position (GRCh38, 1-based): chr19:38,455,353, T>C. VCF-style: chr19-38455353-T-C. GRCh37 (hg19) VCF-style: chr19-38945993-T-C.
Other names: c.1559T>C, p.Leu520Pro (NM_001042723.2); short protein forms L520P.
Identifiers: ClinVar variation 590483 (VCV000590483.13), dbSNP rs1384515505, ClinGen allele CA405689314.